The following is an entry in ClinVar:

NM_001374736.1(DST):c.4472A>G (p.Asn1491Ser)

Gene: DST (dystonin; minus strand). Cytogenetic location: 6p12.1.
Variant type: single nucleotide variant.
Coding change: c.4472A>G on transcript NM_001374736.1 (MANE Select); coding-DNA position 4472, A replaced by G.
Protein change: p.Asn1491Ser; replaces asparagine 1491 with serine.
Molecular consequence: missense variant.
Genome position (GRCh38, 1-based): chr6:56,629,253, T>C on the plus strand (A>G on the coding strand, the complement: DST is on the minus strand). VCF-style: chr6-56629253-T-C. GRCh37 (hg19) VCF-style: chr6-56494051-T-C.
Other names: c.4373A>G, p.Asn1458Ser (NM_001144769.5); c.3959A>G, p.Asn1320Ser (NM_001144770.2); c.4472A>G, p.Asn1491Ser (NM_001374722.1); c.3839A>G, p.Asn1280Ser (NM_001374729.1, NM_001374730.1, NM_001386100.1 and 1 more transcripts); c.4499A>G, p.Asn1500Ser (NM_001374734.1); c.2861A>G, p.Asn954Ser (NM_001723.7, NM_015548.5); short protein forms N1320S, N1280S, N1458S, N954S, N1491S, N1500S.
Identifiers: ClinVar variation 1514390 (VCV001514390.8), dbSNP rs2152755787, ClinGen allele CA364573538.

ClinVar aggregate classification (germline): Uncertain significance (1 of 4 stars; one submission).

Conditions:
Epidermolysis bullosa simplex 3, localized or generalized intermediate, with BP230 deficiency (EBS3). Also called: Epidermolysis bullosa simplex due to BP230 deficiency; Epidermolysis bullosa simplex, autosomal recessive 2. Identifiers: Orphanet 412181, MedGen C3809470, MONDO:0014180, OMIM 615425.
Hereditary sensory and autonomic neuropathy type 6. Also called: HSAN VI; Neuropathy, hereditary sensory and autonomic, type VI. Identifiers: Orphanet 314381, MedGen C3539003, MONDO:0013839, OMIM 614653.

gnomAD v4.1: 4 of 1,613,650 alleles (0.00025%); highest among the groups gnomAD compares: Non-Finnish European, 0.00034%; no homozygotes.

Submission:

Labcorp Genetics (formerly Invitae), Labcorp
Classification: Uncertain significance for Epidermolysis bullosa simplex 3, localized or generalized intermediate, with BP230 deficiency; Hereditary sensory and autonomic neuropathy type 6. Last evaluated: 2025-09-03. Review status: criteria provided, single submitter. Criteria: Invitae Variant Classification Sherloc (09022015). Collection method: clinical testing. Allele origin: germline.
Comment: This sequence change replaces asparagine, which is neutral and polar, with serine, which is neutral and polar, at codon 954 of the DST protein (p.Asn954Ser). This variant is not present in population databases (gnomAD no frequency). This variant has not been reported in the literature in individuals affected with DST-related conditions. ClinVar contains an entry for this variant (Variation ID: 1514390). An algorithm developed to predict the effect of missense changes on protein structure and function (PolyPhen-2) suggests that this variant is likely to be tolerated. In summary, the available evidence is currently insufficient to determine the role of this variant in disease. Therefore, it has been classified as a Variant of Uncertain Significance.